The following is an entry in ClinVar:

NM_201384.3(PLEC):c.10408G>A (p.Ala3470Thr)

Gene: PLEC (plectin; minus strand). Cytogenetic location: 8q24.3.
Variant type: single nucleotide variant.
Coding change: c.10408G>A on transcript NM_201384.3 (MANE Select); coding-DNA position 10408, G replaced by A.
Protein change: p.Ala3470Thr; replaces alanine 3470 with threonine.
Molecular consequence: missense variant.
Genome position (GRCh38, 1-based): chr8:143,919,413, C>T on the plus strand (G>A on the coding strand, the complement: PLEC is on the minus strand). VCF-style: chr8-143919413-C-T. GRCh37 (hg19) VCF-style: chr8-144993581-C-T.
Other names: p.Ala3497Thr; c.10489G>A, p.Ala3497Thr (NM_000445.5); c.10366G>A, p.Ala3456Thr (NM_201378.4); c.10342G>A, p.Ala3448Thr (NM_201379.3); c.10819G>A, p.Ala3607Thr (NM_201380.4); c.10312G>A, p.Ala3438Thr (NM_201381.3); c.10408G>A, p.Ala3470Thr (NM_201382.4); c.10420G>A, p.Ala3474Thr (NM_201383.3); and 1 more; short protein forms A3456T, A3474T, A3497T, A3607T, A3438T, A3448T, A3470T.
Identifiers: ClinVar variation 471515 (VCV000471515.12), dbSNP rs377602333, ClinGen allele CA4924661.
Genomic context (GRCh38, chr8:143,919,413, plus strand): 5'-GGTAGGCCACGTCCACAGGCACGCGGTGGCTGTGCACGGGGTCGATGATGCCGCCCGTGG[C>T]GATCTGGGCCTCCAGCAGGCGGATGCCGTGCTGCCGGAGAACCAGGCCCTTCTGCATGGC-3'
Protein context (NP_958786.1, residues 3460-3480): HGIRLLEAQI[Ala3470Thr]TGGIIDPVHS

ClinVar aggregate classification (germline): Uncertain significance. Review status: criteria provided, multiple submitters, no conflicts (2 of 4 stars). 3 submissions from 3 submitters: Uncertain significance (3). Last evaluated 2024-10-22.

Conditions:
Epidermolysis bullosa simplex with nail dystrophy (EBS5D). Identifiers: MedGen C4225309, MONDO:0014661, OMIM 616487.
Epidermolysis bullosa simplex, Ogna type (EBS5A). Also called: Pidermolysis bullosa simplex 5A, Ogna type; EPIDERMOLYSIS BULLOSA SIMPLEX 5A, OGNA TYPE. Identifiers: Orphanet 79401, MedGen C0432317, MONDO:0007555, OMIM 131950.
Autosomal recessive limb-girdle muscular dystrophy type 2Q (LGMDR17). Also called: MUSCULAR DYSTROPHY, LIMB-GIRDLE, AUTOSOMAL RECESSIVE 17. Identifiers: Orphanet 254361, MedGen C3150989, MONDO:0013390, OMIM 613723.
Epidermolysis bullosa simplex 5C, with pyloric atresia (EBS5C). Also called: PLEC-Related Epidermolysis Bullosa with Pyloric Atresia; Epidermolysis bullosa simplex with pyloric atresia; PLEC1-Related Epidermolysis Bullosa with Pyloric Atresia. Identifiers: Orphanet 158684, MedGen C2677349, MONDO:0012807, OMIM 612138.
Epidermolysis bullosa simplex 5B, with muscular dystrophy (EBS5B). Also called: EPIDERMOLYSIS BULLOSA SIMPLEX AND LIMB-GIRDLE MUSCULAR DYSTROPHY; Epidermolysis bullosa simplex with muscular dystrophy. Identifiers: Orphanet 257, MedGen C2931072, MONDO:0009181, OMIM 226670.
Inborn genetic diseases. Identifiers: MedGen C0950123, MeSH D030342.

Allele frequency attached by ClinVar (database versions not stated): gnomAD 0.00003; TOPMed 0.00003; ESP Exome Variant Server 0.00008.
gnomAD v4.1: 33 of 1,613,232 alleles (0.002%); highest among the groups gnomAD compares: East Asian, 0.011%; no homozygotes.

Submissions (3):

Labcorp Genetics (formerly Invitae), Labcorp
Classification: Uncertain significance for Autosomal recessive limb-girdle muscular dystrophy type 2Q; Epidermolysis bullosa simplex, Ogna type; Epidermolysis bullosa simplex with nail dystrophy; Epidermolysis bullosa simplex 5C, with pyloric atresia; Epidermolysis bullosa simplex 5B, with muscular dystrophy. Last evaluated: 2024-10-22. Review status: criteria provided, single submitter. Criteria: Invitae Variant Classification Sherloc (09022015). Collection method: clinical testing. Allele origin: germline.
Comment: This sequence change replaces alanine, which is neutral and non-polar, with threonine, which is neutral and polar, at codon 3497 of the PLEC protein (p.Ala3497Thr). This variant is present in population databases (rs377602333, gnomAD 0.02%). This variant has not been reported in the literature in individuals affected with PLEC-related conditions. ClinVar contains an entry for this variant (Variation ID: 471515). Invitae Evidence Modeling of protein sequence and biophysical properties (such as structural, functional, and spatial information, amino acid conservation, physicochemical variation, residue mobility, and thermodynamic stability) indicates that this missense variant is not expected to disrupt PLEC protein function with a negative predictive value of 80%. In summary, the available evidence is currently insufficient to determine the role of this variant in disease. Therefore, it has been classified as a Variant of Uncertain Significance.

Ambry Genetics
Classification: Uncertain significance for Inborn genetic diseases. Last evaluated: 2024-05-28. Review status: criteria provided, single submitter. Criteria: Ambry Variant Classification Scheme 2023. Collection method: clinical testing. Allele origin: germline.

Mayo Clinic Laboratories, Mayo Clinic
Classification: Uncertain significance. Last evaluated: 2021-08-11. Review status: criteria provided, single submitter. Criteria: ACMG Guidelines, 2015. Collection method: clinical testing. Allele origin: germline.